The following is an entry in ClinVar:

ClinVar aggregate classification (germline): Uncertain significance (1 of 4 stars; one submission).

gnomAD v4.1: 13 of 1,613,868 alleles (0.00081%); highest among the groups gnomAD compares: Middle Eastern, 0.016%; no homozygotes.

Submission:

Labcorp Genetics (formerly Invitae), Labcorp
Classification: Uncertain significance. Last evaluated: 2025-10-21. Review status: criteria provided, single submitter. Criteria: Invitae Variant Classification Sherloc (09022015). Collection method: clinical testing. Allele origin: germline.
Comment: This sequence change replaces serine, which is neutral and polar, with leucine, which is neutral and non-polar, at codon 522 of the DSCAML1 protein (p.Ser522Leu). This variant is present in population databases (no rsID available, gnomAD 0.01%). This variant has not been reported in the literature in individuals affected with DSCAML1-related conditions. ClinVar contains an entry for this variant (Variation ID: 3619946). An algorithm developed to predict the effect of missense changes on protein structure and function (PolyPhen-2) suggests that this variant is likely to be tolerated. In summary, the available evidence is currently insufficient to determine the role of this variant in disease. Therefore, it has been classified as a Variant of Uncertain Significance.

NM_020693.4(DSCAML1):c.1385C>T (p.Ser462Leu)

Gene: DSCAML1 (DS cell adhesion molecule like 1; minus strand). Cytogenetic location: 11q23.3.
Variant type: single nucleotide variant.
Coding change: c.1385C>T on transcript NM_020693.4 (MANE Select); coding-DNA position 1385, C replaced by T.
Protein change: p.Ser462Leu; replaces serine 462 with leucine.
Molecular consequence: missense variant.
Genome position (GRCh38, 1-based): chr11:117,518,591, G>A on the plus strand (C>T on the coding strand, the complement: DSCAML1 is on the minus strand). VCF-style: chr11-117518591-G-A. GRCh37 (hg19) VCF-style: chr11-117389306-G-A.
Other names: c.1385C>T, p.Ser462Leu (NM_001367904.1); c.977C>T, p.Ser326Leu (NM_001367905.1); short protein forms S326L, S462L.
Identifiers: ClinVar variation 3619946 (VCV003619946.2).